The following is an entry in ClinVar:

ClinVar aggregate classification (germline): Likely benign (0 of 4 stars; one submission).

Conditions:
TRAPPC6B-related disorder. Also called: TRAPPC6B-related condition.

Allele frequency attached by ClinVar (database versions not stated): TOPMed 0.00001; gnomAD 0.00003; gnomAD exomes 0.00007; 1000 Genomes Project 0.00020; ExAC 0.00020; 1000 Genomes Project 30x 0.00031.
gnomAD v4.1: 99 of 1,596,438 alleles (0.0062%); highest among the groups gnomAD compares: South Asian, 0.093%; 3 homozygotes.

Submission:

PreventionGenetics, part of Exact Sciences
Classification: Likely benign for TRAPPC6B-related condition. Last evaluated: 2019-04-10. Review status: no assertion criteria provided. Collection method: clinical testing. Allele origin: germline.
Comment: This variant is classified as likely benign based on ACMG/AMP sequence variant interpretation guidelines (Richards et al. 2015 PMID: 25741868, with internal and published modifications).

NM_001079537.2(TRAPPC6B):c.240A>G (p.Gln80=)

Gene: TRAPPC6B (trafficking protein particle complex subunit 6B; minus strand). Cytogenetic location: 14q21.1.
Variant type: single nucleotide variant.
Coding change: c.240A>G on transcript NM_001079537.2 (MANE Select); coding-DNA position 240, A replaced by G.
Protein change: p.Gln80=; no amino-acid change (glutamine 80 retained).
Molecular consequence: synonymous variant.
Genome position (GRCh38, 1-based): chr14:39,158,312, T>C on the plus strand (A>G on the coding strand, the complement: TRAPPC6B is on the minus strand). VCF-style: chr14-39158312-T-C. GRCh37 (hg19) VCF-style: chr14-39627516-T-C.
Other names: c.240A>G, p.Gln80= (NM_177452.4).
Identifiers: ClinVar variation 3057829 (VCV003057829.2), dbSNP rs539905549, ClinGen allele CA7162820.